The following is an entry in ClinVar:

NM_016213.5(TRIP4):c.185A>G (p.Gln62Arg)

Gene: TRIP4 (thyroid hormone receptor interactor 4; plus strand). Cytogenetic location: 15q22.31.
Variant type: single nucleotide variant.
Coding change: c.185A>G on transcript NM_016213.5 (MANE Select); coding-DNA position 185, A replaced by G.
Protein change: p.Gln62Arg; replaces glutamine 62 with arginine.
Molecular consequence: missense variant. On other transcripts: 5 prime UTR variant (1), non-coding transcript variant (1).
Genome position (GRCh38, 1-based): chr15:64,394,029, A>G. VCF-style: chr15-64394029-A-G. GRCh37 (hg19) VCF-style: chr15-64686228-A-G.
Other names: c.-506A>G (NM_001321924.2); short protein forms Q62R.
Identifiers: ClinVar variation 3781179 (VCV003781179.1).

ClinVar aggregate classification (germline): Uncertain significance (1 of 4 stars; one submission).

gnomAD v4.1: 1 of 1,612,720 alleles (0.000062%); no homozygotes.

Submission:

GeneDx
Classification: Uncertain significance. Last evaluated: 2024-10-21. Review status: criteria provided, single submitter. Criteria: GeneDx Variant Classification Process June 2021. Collection method: clinical testing. Allele origin: germline. Affected: yes.
Comment: Not observed at significant frequency in large population cohorts (gnomAD); In silico analysis indicates that this missense variant does not alter protein structure/function; Has not been previously published as pathogenic or benign to our knowledge